The following is an entry in ClinVar:

ClinVar aggregate classification (germline): Pathogenic/Likely pathogenic. Review status: criteria provided, multiple submitters, no conflicts (2 of 4 stars). 14 submissions from 13 submitters: Pathogenic (11); Likely pathogenic (2). 1 of the submissions does not count toward it. Last evaluated 2026-09-09.

Conditions:
Neuronopathy, distal hereditary motor, autosomal dominant. Also called: Autosomal dominant distal hereditary motor neuropathy. Identifiers: Orphanet 140465, MedGen C5548212, MONDO:0015362.
IGHMBP2-related disorder. Also called: IGHMBP2-related condition; IGHMBP2-related disorders.
Charcot-Marie-Tooth disease axonal type 2S. Also called: CHARCOT-MARIE-TOOTH DISEASE, AXONAL, AUTOSOMAL RECESSIVE, TYPE 2S; CHARCOT-MARIE-TOOTH NEUROPATHY, TYPE 2S. Identifiers: Orphanet 443073, MedGen C4015349, MONDO:0014511, OMIM 616155.
Inborn genetic diseases. Identifiers: MedGen C0950123, MeSH D030342.
Autosomal recessive distal spinal muscular atrophy 1. Also called: NEURONOPATHY, DISTAL HEREDITARY MOTOR, HARDING TYPE VI; NEUROPATHY, DISTAL HEREDITARY MOTOR, AUTOSOMAL RECESSIVE 1; NEURONOPATHY, SEVERE INFANTILE AXONAL, WITH RESPIRATORY FAILURE; HMN VI; SEVERE INFANTILE AXONAL NEUROPATHY WITH RESPIRATORY FAILURE; SPINAL MUSCULAR ATROPHY, DIAPHRAGMATIC. Identifiers: Orphanet 98920, MedGen C1858517, MONDO:0011436, OMIM 604320.

Allele frequency attached by ClinVar (database versions not stated): gnomAD 0.00003; TOPMed 0.00003; gnomAD exomes 0.00006; ExAC 0.00013.
gnomAD v4.1: 124 of 1,608,422 alleles (0.0077%); highest among the groups gnomAD compares: Non-Finnish European, 0.01%; no homozygotes.

Submissions (14):

PreventionGenetics, part of Exact Sciences
Classification: Pathogenic for IGHMBP2-related condition. Last evaluated: 2026-09-09. Review status: criteria provided, single submitter. Criteria: ACMG Guidelines, 2015. Collection method: clinical testing. Allele origin: germline.
Comment: The IGHMBP2 c.1478C>T variant is predicted to result in the amino acid substitution p.Thr493Ile. This variant has been reported in the compound heterozygous state or along with a second causative IGHMBP2 variant in multiple unrelated individuals with distal spinal muscular atrophy type 1 (Guenther et al. 2009. PubMed ID: 18802676; Hamilton et al. 2014. PubMed ID: 25454169; Family B, Pedurupillay et al. 2016. PubMed ID: 27450922; Leśniak et al. 2024. PubMed ID: 39202358) and in one individual with Charcot-Marie-Tooth disease (Cortese et al. 2019. PubMed ID: 31827005), and has been noted to segregate with the disease in one family (Family B, Pedurupillay et al. 2016. PubMed ID: 27450922). In vitro analysis demonstrates this variant results in decreased protein expression and DNA/RNA binding but does not impact ATPase or helicase activity (Guenther et al. 2009. PubMed ID: 18802676; Guenther et al. 2009. PubMed ID: 19158098). This variant is reported in 0.013% of alleles in individuals of European (non-Finnish) descent in gnomAD, and is classified as pathogenic/likely pathogenic in the ClinVar database (Variation ID: 217450). Taken together, this variant is interpreted as pathogenic.

GeneDx
Classification: Pathogenic. Last evaluated: 2025-05-03. Review status: criteria provided, single submitter. Criteria: GeneDx Variant Classification Process June 2021. Collection method: clinical testing. Allele origin: germline. Affected: yes.
Comment: Observed multiple times with a pathogenic variant on the opposite allele (in trans) in unrelated patients with both infantile-onset and juvenile-onset SMARD1 referred for genetic testing at GeneDx and in the published literature (PMID: 18802676, 25454169); Not observed at significant frequency in large population cohorts (gnomAD); In silico analysis supports that this missense variant has a deleterious effect on protein structure/function; This variant is associated with the following publications: (PMID: 19157874, 19158098, 22965130, 25439726, 27450922, 31827005, 18802676, 25454169, 36939041, 36077311, 24388491)

Labcorp Genetics (formerly Invitae), Labcorp
Classification: Pathogenic for Autosomal recessive distal spinal muscular atrophy 1; Charcot-Marie-Tooth disease axonal type 2S. Last evaluated: 2025-05-01. Review status: criteria provided, single submitter. Criteria: Invitae Variant Classification Sherloc (09022015). Collection method: clinical testing. Allele origin: germline.
Comment: This sequence change replaces threonine, which is neutral and polar, with isoleucine, which is neutral and non-polar, at codon 493 of the IGHMBP2 protein (p.Thr493Ile). This variant is present in population databases (rs780594709, gnomAD 0.01%). This missense change has been observed in individual(s) with spinal muscular atrophy with respiratory distress, type 1 or Charcot-Marie-Tooth disease, type 2S (PMID: 18802676, 19157874, 25454169, 27450922; internal data). In at least one individual the data is consistent with being in trans (on the opposite chromosome) from a pathogenic variant. It has also been observed to segregate with disease in related individuals. ClinVar contains an entry for this variant (Variation ID: 217450). Invitae Evidence Modeling of protein sequence and biophysical properties (such as structural, functional, and spatial information, amino acid conservation, physicochemical variation, residue mobility, and thermodynamic stability) has been performed for this missense variant. However, the output from this modeling did not meet the statistical confidence thresholds required to predict the impact of this variant on IGHMBP2 protein function. Experimental studies have shown that this missense change affects IGHMBP2 function (PMID: 18802676, 19158098). For these reasons, this variant has been classified as Pathogenic.

Fulgent Genetics
Classification: Pathogenic for Autosomal recessive distal spinal muscular atrophy 1; Charcot-Marie-Tooth disease axonal type 2S. Last evaluated: 2024-02-29. Review status: criteria provided, single submitter. Criteria: ACMG Guidelines, 2015. Collection method: clinical testing. Allele origin: germline.

Blueprint Genetics
Classification: Pathogenic for IGHMBP2-related disorders. Last evaluated: 2022-11-14. Review status: criteria provided, single submitter. Criteria: ACMG Guidelines, 2015. Collection method: clinical testing. Allele origin: germline. Affected: yes. Observed: 2 variant alleles.

Baylor Genetics
Classification: Pathogenic for Autosomal recessive distal spinal muscular atrophy 1. Last evaluated: 2022-01-20. Review status: criteria provided, single submitter. Criteria: ACMG Guidelines, 2015. Collection method: clinical testing. Allele origin: unknown.

Mayo Clinic Laboratories, Mayo Clinic
Classification: Pathogenic. Last evaluated: 2020-01-17. Review status: criteria provided, single submitter. Criteria: ACMG Guidelines, 2015. Collection method: clinical testing. Allele origin: germline. Observed: 1 variant allele.
Comment: PS3, PS4_moderate, PM2, PM3, PP3

Ambry Genetics
Classification: Pathogenic for Inborn genetic diseases. Last evaluated: 2020-01-09. Review status: criteria provided, single submitter. Criteria: Ambry Variant Classification Scheme 2023. Collection method: clinical testing. Allele origin: germline.
Comment: The p.T493I pathogenic mutation (also known as c.1478C>T), located in coding exon 10 of the IGHMBP2 gene, results from a C to T substitution at nucleotide position 1478. The threonine at codon 493 is replaced by isoleucine, an amino acid with similar properties. This alteration has been detected in trans with pathogenic mutations in IGHMBP2 in multiple affected individuals (Guenther UP et al. J. Mol. Med., 2009 Jan;87:31-41; Pedurupillay CR et al. Neuromuscul. Disord., 2016 09;26:570-5; Hamilton MJ et al. Neuromuscul. Disord., 2015 Feb;25:169-71). Based on the supporting evidence, this alteration is interpreted as a disease-causing mutation.

Revvity Omics, Revvity
Classification: Pathogenic. Last evaluated: 2019-01-28. Review status: criteria provided, single submitter. Criteria: ACMG Guidelines, 2015. Collection method: clinical testing. Allele origin: germline.

Illumina Laboratory Services, Illumina
Classification: Pathogenic for Autosomal recessive distal spinal muscular atrophy 1. Last evaluated: 2018-10-18. Review status: criteria provided, single submitter. Criteria: ICSL Variant Classification Criteria 09 May 2019. Collection method: clinical testing. Allele origin: germline.
Comment: The IGHMBP2 c.1478C>T (p.Thr493Ile) missense variant has been reported in at least five studies in which it was identified in a compound heterozygous state in seven individuals from five families with spinal muscular atrophy (Guenther et al. 2009; Joseph et al. 2009; Eckart et al. 2012; Hamilton et al. 2015; Pedurupillay et al. 2016). In one sibling pair who carried a small deletion in trans with the p.Thr493Ile variant, one individual exhibited a more classic infantile spinal muscular atrophy phenotype while the other showed a phenotype consistent with Charcot-Marie-Tooth type 2S (Pedurupillay et al. 2016). However, the p.Thr493Ile variant was not identified in 11 probands with Charcot-Marie-Tooth type 2 who had recessively inherited IGHMBP2 variants (Cottenie et al. 2014). The variant p.Thr493Ile was absent from 300 control individuals (Guenther et al. 2009) and is reported at a frequency of 0.00025 in the European (non-Finnish) population of the Exome Aggregation Consortium. Expression of the variant in E. coli showed that it did not influence IGHMBP2 ATPase or helicase activity compared to wild type values (Guenther et al. 2009b), consistent with its location distant from helicase motifs. Comparison of steady-state IGHMBP2 protein levels in probands and their heterozygous parents indicated the p.Thr493Ile variant reduced steady-state protein levels by 50% compared to wild type levels (Guenther et al. 2009), and qRT-PCR experiments indicated the variant did not result in nonsense-mediated decay (Pedurupillay et al. 2016). Based on the collective evidence, the p.Thr493Ile variant is classified as pathogenic for spinal muscular atrophy. This variant was observed by ICSL as part of a predisposition screen in an ostensibly healthy population.

Center for Pediatric Genomic Medicine, Children's Mercy Hospital and Clinics
Classification: Pathogenic. Last evaluated: 2017-10-05. Review status: criteria provided, single submitter. Criteria: ACMG Guidelines, 2015. Collection method: clinical testing. Allele origin: germline.

Department of Medical Genetics, Oslo University Hospital
Classification: Likely pathogenic for Autosomal recessive distal spinal muscular atrophy 1. Last evaluated: 2015-10-21. Review status: criteria provided, single submitter. Criteria: Pedurupillay CR et al. (Neuromuscul Disord. 2016). Collection method: research. Allele origin: germline. Inheritance: Autosomal recessive inheritance. Affected: yes. Observed: 1 compound heterozygote. Segregation with disease observed.

Department of Medical Genetics, Oslo University Hospital
Classification: Likely pathogenic for Charcot-Marie-Tooth disease axonal type 2S. Last evaluated: 2015-10-21. Review status: criteria provided, single submitter. Criteria: Pedurupillay CR et al. (Neuromuscul Disord. 2016). Collection method: research. Allele origin: germline. Inheritance: Autosomal recessive inheritance. Affected: yes. Observed: 1 compound heterozygote. Segregation with disease observed.

Inherited Neuropathy Consortium
Classification: Uncertain significance for Autosomal dominant distal hereditary motor neuropathy. Review status: no assertion criteria provided. Collection method: literature only. Allele origin: germline. Affected: yes. Not counted in ClinVar's aggregate classification.

Literature cited by the submitters: PubMed 18802676 (cited by 5 submitters); PubMed 19157874 (cited by Labcorp Genetics (formerly Invitae), Labcorp and Illumina Laboratory Services, Illumina); PubMed 25454169 (cited by 3 submitters); PubMed 27450922 (cited by 4 submitters); PubMed 19158098 (cited by 3 submitters); PubMed 22965130 (cited by Mayo Clinic Laboratories, Mayo Clinic); PubMed 2545169 (cited by Mayo Clinic Laboratories, Mayo Clinic); PubMed 25439726 (cited by Illumina Laboratory Services, Illumina); PubMed 22157136 (cited by Illumina Laboratory Services, Illumina).

NM_002180.3(IGHMBP2):c.1478C>T (p.Thr493Ile)

Gene: IGHMBP2 (immunoglobulin mu DNA binding protein 2; plus strand). Cytogenetic location: 11q13.3.
Variant type: single nucleotide variant.
Coding change: c.1478C>T on transcript NM_002180.3 (MANE Select); coding-DNA position 1478, C replaced by T.
Protein change: p.Thr493Ile; replaces threonine 493 with isoleucine.
Molecular consequence: missense variant.
Genome position (GRCh38, 1-based): chr11:68,933,854, C>T. VCF-style: chr11-68933854-C-T. GRCh37 (hg19) VCF-style: chr11-68701322-C-T.
Other names: short protein forms T493I.
Identifiers: ClinVar variation 217450 (VCV000217450.28), dbSNP rs780594709, ClinGen allele CA6153653.
Genomic context (GRCh38, chr11:68,933,854, plus strand): 5'-GGGACCTCCCAGGTGTGGCTGCCACAGAAGAGACGGGTGTGCCCCTGCTCTTGGTGGACA[C>T]CGCCGGCTGCGGGCTGTTTGAGCTGGAGGAGGAGGACGAACAGTCGAAAGGGAACCCTGG-3'
Protein context (NP_002171.2, residues 483-503): ETGVPLLLVD[Thr493Ile]AGCGLFELEE